The following is an entry in ClinVar:

NC_000017.11:g.63919116C>A

Genes: GH-LCR (growth hormone locus control region; plus strand), GH1 (growth hormone 1; minus strand). Cytogenetic location: 17q23.3.
Variant type: single nucleotide variant.
Genome position: GRCh38 VCF-style: chr17-63919116-C-A. GRCh37 (hg19) VCF-style: chr17-61996476-C-A.
Identifiers: ClinVar variation 1296534 (VCV001296534.3), dbSNP rs2005171, ClinGen allele CA14408150.

ClinVar aggregate classification (germline): Benign (1 of 4 stars; one submission).

Allele frequency attached by ClinVar (database versions not stated): 1000 Genomes Project 30x 0.29763; 1000 Genomes Project 0.30371; TOPMed 0.33755.

Submission:

GeneDx
Classification: Benign. Last evaluated: 2018-11-12. Review status: criteria provided, single submitter. Criteria: GeneDx Variant Classification Process June 2021. Collection method: clinical testing. Allele origin: germline. Affected: yes.
Comment: This variant is associated with the following publications: (PMID: 12655556)